The following is an entry in ClinVar:

NM_005431.2(XRCC2):c.-32_-31insC

Gene: XRCC2 (X-ray repair cross complementing 2; minus strand). Cytogenetic location: 7q36.1.
Variant type: Insertion.
Coding change: c.-32_-31insC on transcript NM_005431.2 (MANE Select); 32 bases upstream of the start codon through 31 bases upstream of the start codon, C inserted.
Molecular consequence: 5 prime UTR variant.
Genome position: GRCh38 VCF-style: chr7-152676110-A-AG. GRCh37 (hg19) VCF-style: chr7-152373195-A-AG.
Identifiers: ClinVar variation 420872 (VCV000420872.1), dbSNP rs1064794758, ClinGen allele CA16618442.

ClinVar aggregate classification (germline): Likely benign (1 of 4 stars; one submission).

Submission:

GeneDx
Classification: Likely benign. Last evaluated: 2016-04-06. Review status: criteria provided, single submitter. Criteria: GeneDx Variant Classification (06012015). Collection method: clinical testing. Allele origin: germline. Affected: yes.
Comment: This variant is considered likely benign or benign based on one or more of the following criteria: it is a conservative change, it occurs at a poorly conserved position in the protein, it is predicted to be benign by multiple in silico algorithms, and/or has population frequency not consistent with disease.